The following is an entry in ClinVar:

NM_015570.4(AUTS2):c.3753C>G (p.His1251Gln)

Gene: AUTS2 (activator of transcription and developmental regulator AUTS2; plus strand). Cytogenetic location: 7q11.22.
Variant type: single nucleotide variant.
Coding change: c.3753C>G on transcript NM_015570.4 (MANE Select); coding-DNA position 3753, C replaced by G.
Protein change: p.His1251Gln; replaces histidine 1251 with glutamine.
Molecular consequence: missense variant.
Genome position (GRCh38, 1-based): chr7:70,790,969, C>G. VCF-style: chr7-70790969-C-G. GRCh37 (hg19) VCF-style: chr7-70255955-C-G.
Other names: c.3681C>G, p.His1227Gln (NM_001127231.3); short protein forms H1227Q, H1251Q.
Identifiers: ClinVar variation 4530924 (VCV004530924.1).

ClinVar aggregate classification (germline): Uncertain significance (1 of 4 stars; one submission).

Submission:

GeneDx
Classification: Uncertain significance. Last evaluated: 2025-05-21. Review status: criteria provided, single submitter. Criteria: GeneDx Variant Classification Process June 2021. Collection method: clinical testing. Allele origin: germline. Affected: yes.
Comment: Not observed at significant frequency in large population cohorts (gnomAD); In silico analysis supports that this missense variant has a deleterious effect on protein structure/function; Has not been previously published as pathogenic or benign to our knowledge